The following is an entry in ClinVar:

NM_201384.3(PLEC):c.10562T>C (p.Leu3521Pro)

Gene: PLEC (plectin; minus strand). Cytogenetic location: 8q24.3.
Variant type: single nucleotide variant.
Coding change: c.10562T>C on transcript NM_201384.3 (MANE Select); coding-DNA position 10562, T replaced by C.
Protein change: p.Leu3521Pro; replaces leucine 3521 with proline.
Molecular consequence: missense variant.
Genome position (GRCh38, 1-based): chr8:143,919,259, A>G on the plus strand (T>C on the coding strand, the complement: PLEC is on the minus strand). VCF-style: chr8-143919259-A-G. GRCh37 (hg19) VCF-style: chr8-144993427-A-G.
Other names: c.10643T>C, p.Leu3548Pro (NM_000445.5); c.7262T>C, p.Leu2421Pro (NM_001410941.1); c.10520T>C, p.Leu3507Pro (NM_201378.4); c.10496T>C, p.Leu3499Pro (NM_201379.3); c.10973T>C, p.Leu3658Pro (NM_201380.4); c.10466T>C, p.Leu3489Pro (NM_201381.3); c.10562T>C, p.Leu3521Pro (NM_201382.4); c.10574T>C, p.Leu3525Pro (NM_201383.3); short protein forms L2421P, L3489P, L3499P, L3507P, L3521P, L3525P, L3548P, L3658P.
Identifiers: ClinVar variation 3748142 (VCV003748142.2).
Genomic context (GRCh38, chr8:143,919,259, plus strand): 5'-AGAAGGCGCAAGCCCGTCTCGGGGTCCTCCACGCACCGCTCCAGCAGCTGCCTGTACGTG[A>G]GGTTCTCATGCGTGTTGGGGTCAAAGAAGCCCTTGGTGTCGTCGCTGGGGTCCGCCAGGA-3'
Protein context (NP_958786.1, residues 3511-3531): GFFDPNTHEN[Leu3521Pro]TYRQLLERCV

ClinVar aggregate classification (germline): Uncertain significance (1 of 4 stars; one submission).

Conditions:
Epidermolysis bullosa simplex with nail dystrophy (EBS5D). Identifiers: MedGen C4225309, MONDO:0014661, OMIM 616487.
Autosomal recessive limb-girdle muscular dystrophy type 2Q (LGMDR17). Also called: MUSCULAR DYSTROPHY, LIMB-GIRDLE, AUTOSOMAL RECESSIVE 17. Identifiers: Orphanet 254361, MedGen C3150989, MONDO:0013390, OMIM 613723.
Epidermolysis bullosa simplex 5B, with muscular dystrophy (EBS5B). Also called: Epidermolysis bullosa simplex with muscular dystrophy; EPIDERMOLYSIS BULLOSA SIMPLEX AND LIMB-GIRDLE MUSCULAR DYSTROPHY. Identifiers: Orphanet 257, MedGen C2931072, MONDO:0009181, OMIM 226670.
Epidermolysis bullosa simplex 5C, with pyloric atresia (EBS5C). Also called: PLEC-Related Epidermolysis Bullosa with Pyloric Atresia; Epidermolysis bullosa simplex with pyloric atresia; PLEC1-Related Epidermolysis Bullosa with Pyloric Atresia. Identifiers: Orphanet 158684, MedGen C2677349, MONDO:0012807, OMIM 612138.
Epidermolysis bullosa simplex, Ogna type (EBS5A). Also called: Pidermolysis bullosa simplex 5A, Ogna type; EPIDERMOLYSIS BULLOSA SIMPLEX 5A, OGNA TYPE. Identifiers: Orphanet 79401, MedGen C0432317, MONDO:0007555, OMIM 131950.

Submission:

Labcorp Genetics (formerly Invitae), Labcorp
Classification: Uncertain significance for Autosomal recessive limb-girdle muscular dystrophy type 2Q; Epidermolysis bullosa simplex, Ogna type; Epidermolysis bullosa simplex with nail dystrophy; Epidermolysis bullosa simplex 5C, with pyloric atresia; Epidermolysis bullosa simplex 5B, with muscular dystrophy. Last evaluated: 2024-09-14. Review status: criteria provided, single submitter. Criteria: Invitae Variant Classification Sherloc (09022015). Collection method: clinical testing. Allele origin: germline.
Comment: This sequence change replaces leucine, which is neutral and non-polar, with proline, which is neutral and non-polar, at codon 3548 of the PLEC protein (p.Leu3548Pro). This variant is not present in population databases (gnomAD no frequency). This variant has not been reported in the literature in individuals affected with PLEC-related conditions. Invitae Evidence Modeling of protein sequence and biophysical properties (such as structural, functional, and spatial information, amino acid conservation, physicochemical variation, residue mobility, and thermodynamic stability) indicates that this missense variant is not expected to disrupt PLEC protein function with a negative predictive value of 80%. In summary, the available evidence is currently insufficient to determine the role of this variant in disease. Therefore, it has been classified as a Variant of Uncertain Significance.